The following is an entry in ClinVar:

NM_001164665.2(KIAA1549):c.2071C>A (p.Leu691Ile)

Gene: KIAA1549 (KIAA1549; minus strand). Cytogenetic location: 7q34.
Variant type: single nucleotide variant.
Coding change: c.2071C>A on transcript NM_001164665.2 (MANE Select); coding-DNA position 2071, C replaced by A.
Protein change: p.Leu691Ile; replaces leucine 691 with isoleucine.
Molecular consequence: missense variant.
Genome position (GRCh38, 1-based): chr7:138,917,555, G>T on the plus strand (C>A on the coding strand, the complement: KIAA1549 is on the minus strand). VCF-style: chr7-138917555-G-T. GRCh37 (hg19) VCF-style: chr7-138602301-G-T.
Other names: c.2071C>A, p.Leu691Ile (NM_020910.3); short protein forms L691I.
Identifiers: ClinVar variation 3632101 (VCV003632101.2).

ClinVar aggregate classification (germline): Uncertain significance (1 of 4 stars; one submission).

Submission:

Labcorp Genetics (formerly Invitae), Labcorp
Classification: Uncertain significance. Last evaluated: 2024-02-13. Review status: criteria provided, single submitter. Criteria: Invitae Variant Classification Sherloc (09022015). Collection method: clinical testing. Allele origin: germline.
Comment: This sequence change replaces leucine, which is neutral and non-polar, with isoleucine, which is neutral and non-polar, at codon 691 of the KIAA1549 protein (p.Leu691Ile). This variant is not present in population databases (gnomAD no frequency). This variant has not been reported in the literature in individuals affected with KIAA1549-related conditions. An algorithm developed to predict the effect of missense changes on protein structure and function (PolyPhen-2) suggests that this variant is likely to be tolerated. In summary, the available evidence is currently insufficient to determine the role of this variant in disease. Therefore, it has been classified as a Variant of Uncertain Significance.